The following is an entry in ClinVar:

NM_004655.4(AXIN2):c.1416C>A (p.His472Gln)

Gene: AXIN2 (axin 2; minus strand). Cytogenetic location: 17q24.1.
Variant type: single nucleotide variant.
Coding change: c.1416C>A on transcript NM_004655.4 (MANE Select); coding-DNA position 1416, C replaced by A.
Protein change: p.His472Gln; replaces histidine 472 with glutamine.
Molecular consequence: missense variant.
Genome position (GRCh38, 1-based): chr17:65,537,620, G>T on the plus strand (C>A on the coding strand, the complement: AXIN2 is on the minus strand). VCF-style: chr17-65537620-G-T. GRCh37 (hg19) VCF-style: chr17-63533738-G-T.
Other names: c.1416C>A, p.His472Gln (NM_001363813.1); short protein forms H472Q.
Identifiers: ClinVar variation 858677 (VCV000858677.10), dbSNP rs1555577879, ClinGen allele CA400677546.

ClinVar aggregate classification (germline): Uncertain significance. Review status: criteria provided, multiple submitters, no conflicts (2 of 4 stars). 2 submissions from 2 submitters: Uncertain significance (2). Last evaluated 2025-07-14.

Conditions:
Hereditary cancer-predisposing syndrome. Also called: Tumor predisposition; Hereditary neoplastic syndrome; Neoplastic Syndromes, Hereditary; Hereditary Cancer Syndrome. Identifiers: Orphanet 140162, MedGen C0027672, MeSH D009386, MONDO:0015356.
Oligodontia-cancer predisposition syndrome. Also called: TOOTH AGENESIS-COLORECTAL CANCER SYNDROME. Identifiers: Orphanet 300576, MedGen C1837750, MONDO:0012075, OMIM 608615. Disease mechanism: loss of function.

Submissions (2):

Ambry Genetics
Classification: Uncertain significance for Hereditary cancer-predisposing syndrome. Last evaluated: 2025-07-14. Review status: criteria provided, single submitter. Criteria: Ambry Variant Classification Scheme 2023. Collection method: clinical testing. Allele origin: germline.
Comment: The p.H472Q variant (also known as c.1416C>A), located in coding exon 5 of the AXIN2 gene, results from a C to A substitution at nucleotide position 1416. The histidine at codon 472 is replaced by glutamine, an amino acid with highly similar properties. This amino acid position is conserved. In addition, this alteration is predicted to be tolerated by in silico analysis. Based on the available evidence, the clinical significance of this variant remains unclear.

Labcorp Genetics (formerly Invitae), Labcorp
Classification: Uncertain significance for Oligodontia-cancer predisposition syndrome. Last evaluated: 2022-01-27. Review status: criteria provided, single submitter. Criteria: Invitae Variant Classification Sherloc (09022015). Collection method: clinical testing. Allele origin: germline.
Comment: ClinVar contains an entry for this variant (Variation ID: 858677). This sequence change replaces histidine, which is basic and polar, with glutamine, which is neutral and polar, at codon 472 of the AXIN2 protein (p.His472Gln). This variant is not present in population databases (gnomAD no frequency). This variant has not been reported in the literature in individuals affected with AXIN2-related conditions. Algorithms developed to predict the effect of missense changes on protein structure and function output the following: SIFT: "Tolerated"; PolyPhen-2: "Benign"; Align-GVGD: "Class C0". The glutamine amino acid residue is found in multiple mammalian species, which suggests that this missense change does not adversely affect protein function. In summary, the available evidence is currently insufficient to determine the role of this variant in disease. Therefore, it has been classified as a Variant of Uncertain Significance.